The following is an entry in ClinVar:

NM_001382273.1(TNK2):c.2029G>A (p.Gly677Arg)

Gene: TNK2 (tyrosine kinase non receptor 2; minus strand). Cytogenetic location: 3q29.
Variant type: single nucleotide variant.
Coding change: c.2029G>A on transcript NM_001382273.1 (MANE Select); coding-DNA position 2029, G replaced by A.
Protein change: p.Gly677Arg; replaces glycine 677 with arginine.
Molecular consequence: missense variant. On other transcripts: non-coding transcript variant (15).
Genome position (GRCh38, 1-based): chr3:195,868,269, C>T on the plus strand (G>A on the coding strand, the complement: TNK2 is on the minus strand). VCF-style: chr3-195868269-C-T. GRCh37 (hg19) VCF-style: chr3-195595140-C-T.
Other names: c.2218G>A (NM_001010938.1); c.2101G>A, p.Gly701Arg (NM_001010938.2, NM_001382272.1); c.2080G>A, p.Gly694Arg (NM_001308046.2, NM_001382271.1); c.2029G>A, p.Gly677Arg (NM_001382274.1, NM_001387716.1, NM_001387717.1 and 1 more transcripts); c.2125G>A, p.Gly709Arg (NM_001382275.1, NM_001387707.1); c.1984G>A, p.Gly662Arg (NM_001386164.1, NM_001387709.1, NM_001387710.1 and 8 more transcripts); c.2056G>A, p.Gly686Arg (NM_001387708.1, NM_001387715.1); short protein forms G677R, G694R, G662R, G686R, G709R, G701R.
Identifiers: ClinVar variation 1967540 (VCV001967540.7), dbSNP rs371737738, ClinGen allele CA2776102.

ClinVar aggregate classification (germline): Uncertain significance. Review status: criteria provided, multiple submitters, no conflicts (2 of 4 stars). 2 submissions from 2 submitters: Uncertain significance (2). Last evaluated 2023-08-14.

Allele frequency attached by ClinVar (database versions not stated): ExAC 0.00005; gnomAD 0.00007; TOPMed 0.00007; ESP Exome Variant Server 0.00015.
gnomAD v4.1: 119 of 1,604,132 alleles (0.0074%); highest among the groups gnomAD compares: Non-Finnish European, 0.0091%; no homozygotes.

Submissions (2):

Ambry Genetics
Classification: Uncertain significance. Last evaluated: 2023-08-14. Review status: criteria provided, single submitter. Criteria: Ambry Variant Classification Scheme 2023. Collection method: clinical testing. Allele origin: germline.

Labcorp Genetics (formerly Invitae), Labcorp
Classification: Uncertain significance. Last evaluated: 2022-04-16. Review status: criteria provided, single submitter. Criteria: Invitae Variant Classification Sherloc (09022015). Collection method: clinical testing. Allele origin: germline.
Comment: In summary, the available evidence is currently insufficient to determine the role of this variant in disease. Therefore, it has been classified as a Variant of Uncertain Significance. Algorithms developed to predict the effect of missense changes on protein structure and function (SIFT, PolyPhen-2, Align-GVGD) all suggest that this variant is likely to be tolerated. This variant has not been reported in the literature in individuals affected with TNK2-related conditions. This variant is present in population databases (rs371737738, gnomAD 0.01%). This sequence change replaces glycine, which is neutral and non-polar, with arginine, which is basic and polar, at codon 740 of the TNK2 protein (p.Gly740Arg).